The following is an entry in ClinVar:

ClinVar aggregate classification (germline): Benign. Review status: criteria provided, multiple submitters, no conflicts (2 of 4 stars). 2 submissions from 2 submitters: Benign (2). Last evaluated 2026-08-01.

Allele frequency attached by ClinVar (database versions not stated): 1000 Genomes Project 0.00140; 1000 Genomes Project 30x 0.00141; TOPMed 0.00470; gnomAD 0.00488; gnomAD exomes 0.00522 and 0.00738; ExAC 0.00548; ESP Exome Variant Server 0.00577.
gnomAD v4.1: 11,416 of 1,614,210 alleles (0.71%); highest among the groups gnomAD compares: Non-Finnish European, 0.86%; 59 homozygotes.

Submissions (2):

CeGaT Center for Human Genetics Tuebingen
Classification: Benign. Last evaluated: 2026-08-01. Review status: criteria provided, single submitter. Criteria: CeGaT Center For Human Genetics Tuebingen Variant Classification Criteria Version 2. Collection method: clinical testing. Allele origin: germline. Affected: yes. Observed: 37 variant alleles.
Comment: CDK13: BS1, BS2

Labcorp Genetics (formerly Invitae), Labcorp
Classification: Benign. Last evaluated: 2026-01-26. Review status: criteria provided, single submitter. Criteria: Invitae Variant Classification Sherloc (09022015). Collection method: clinical testing. Allele origin: germline.

NM_003718.5(CDK13):c.3508G>A (p.Val1170Met)

Gene: CDK13 (cyclin dependent kinase 13; plus strand). Cytogenetic location: 7p14.1.
Variant type: single nucleotide variant.
Coding change: c.3508G>A on transcript NM_003718.5 (MANE Select); coding-DNA position 3508, G replaced by A.
Protein change: p.Val1170Met; replaces valine 1170 with methionine.
Molecular consequence: missense variant.
Genome position (GRCh38, 1-based): chr7:40,093,057, G>A. VCF-style: chr7-40093057-G-A. GRCh37 (hg19) VCF-style: chr7-40132656-G-A.
Other names: c.3328G>A, p.Val1110Met (NM_031267.4); short protein forms V1110M, V1170M.
Identifiers: ClinVar variation 772886 (VCV000772886.37), dbSNP rs3204309, ClinGen allele CA4228953.